The following is an entry in ClinVar:

ClinVar aggregate classification (germline): Uncertain significance (1 of 4 stars; one submission).

Conditions:
Primary ciliary dyskinesia. Also called: Ciliary dyskinesia. Identifiers: Orphanet 244, MedGen C0008780, MONDO:0016575, HP:0012265.

Allele frequency attached by ClinVar (database versions not stated): gnomAD exomes below 0.00001.
gnomAD v4.1: 2 of 1,614,096 alleles (0.00012%); highest among the groups gnomAD compares: Non-Finnish European, 0.00017%; no homozygotes.

Submission:

Ambry Genetics
Classification: Uncertain significance for Primary ciliary dyskinesia. Last evaluated: 2024-02-16. Review status: criteria provided, single submitter. Criteria: Ambry Variant Classification Scheme 2023. Collection method: clinical testing. Allele origin: germline.
Comment: The p.S1075N variant (also known as c.3224G>A), located in coding exon 21 of the DNAH5 gene, results from a G to A substitution at nucleotide position 3224. The serine at codon 1075 is replaced by asparagine, an amino acid with highly similar properties. This amino acid position is conserved. In addition, this alteration is predicted to be tolerated by in silico analysis. Based on the available evidence, the clinical significance of this alteration remains unclear.

NM_001369.3(DNAH5):c.3224G>A (p.Ser1075Asn)

Genes: DNAH5 (dynein axonemal heavy chain 5; minus strand), DNAH5-AS1 (DNAH5 antisense RNA 1; plus strand). Cytogenetic location: 5p15.2.
Variant type: single nucleotide variant.
Coding change: c.3224G>A on transcript NM_001369.3 (MANE Select); coding-DNA position 3224, G replaced by A.
Protein change: p.Ser1075Asn; replaces serine 1075 with asparagine.
Molecular consequence: missense variant.
Genome position (GRCh38, 1-based): chr5:13,882,766, C>T on the plus strand (G>A on the coding strand, the complement: DNAH5 is on the minus strand). VCF-style: chr5-13882766-C-T. GRCh37 (hg19) VCF-style: chr5-13882875-C-T.
Other names: short protein forms S1075N.
Identifiers: ClinVar variation 3221504 (VCV003221504.1), dbSNP rs2547030185, ClinGen allele CA359191816.
Genomic context (GRCh38, chr5:13,882,766, plus strand): 5'-AAAAGACTAAAAGAACATTTACCTTGAAGTTCATTTTCTCCCATTTCAACATCAGAATCA[C>T]TGTCTTCATTACTCTGCAAAGCAGCCATTTTTCTTTCTTGTATCTTTTTCTACAATGTAA-3'
Protein context (NP_001360.1, residues 1065-1085): KMAALQSNED[Ser1075Asn]DSDVEMGENE